The following is an entry in ClinVar:

ClinVar aggregate classification (germline): Likely pathogenic (1 of 4 stars; one submission).

Conditions:
Cardiovascular phenotype. Identifiers: MedGen CN230736.

Submission:

Ambry Genetics
Classification: Likely pathogenic for Cardiovascular phenotype. Last evaluated: 2016-11-04. Review status: criteria provided, single submitter. Criteria: Ambry Variant Classification Scheme 2023. Collection method: clinical testing. Allele origin: germline.
Comment: The c.2011+1G>C intronic variant results from a G to C substitution one nucleotide after coding exon 15 of the RASA1 gene. This variant was not reported in population based cohorts in the following databases: Database of Single Nucleotide Polymorphisms (dbSNP), NHLBI Exome Sequencing Project (ESP), and 1000 Genomes Project. In the ESP, this variant was not observed in 6468 samples (12936 alleles) with coverage at this position. This nucleotide position is highly conserved in available vertebrate species. Using the BDGP and ESEfinder splice site prediction tools, this alteration is predicted to abolish the native splice donor site; however, direct evidence is unavailable. Alterations that disrupt the canonical splice site are expected to cause aberrant splicing, resulting in an abnormal protein or a transcript that is subject to nonsense-mediated mRNA decay. As such, this alteration is classified as likely pathogenic.

NM_002890.3(RASA1):c.2011+1G>C

Genes: CCNH (cyclin H; minus strand), RASA1 (RAS p21 protein activator 1; plus strand). Cytogenetic location: 5q14.3.
Variant type: single nucleotide variant.
Coding change: c.2011+1G>C on transcript NM_002890.3 (MANE Select); the canonical splice donor site of the intron after coding-DNA position 2011, G replaced by C.
Molecular consequence: splice donor variant. On other transcripts: intron variant (1).
Genome position (GRCh38, 1-based): chr5:87,374,917, G>C. VCF-style: chr5-87374917-G-C. GRCh37 (hg19) VCF-style: chr5-86670734-G-C.
Other names: c.1480+1G>C (NM_022650.3); c.933+20127C>G (NM_001364075.2).
Identifiers: ClinVar variation 1784420 (VCV001784420.2), dbSNP rs2531342144, ClinGen allele CA360376702.
Genomic context (GRCh38, chr5:87,374,917, plus strand): 5'-TCAATAGATTTGAAATAACTCTTAGTAATAAAACAAAGAAAAGCAAAGATCCTGATATCT[G>C]TAAGTTGATACAGAAACTTTCTAAAATAGAAAAAGCATGTTTTATATACTTTCAAAATTC-3'